The following is an entry in ClinVar:

NM_002529.4(NTRK1):c.2143G>A (p.Val715Met)

Gene: NTRK1 (neurotrophic receptor tyrosine kinase 1; plus strand). Cytogenetic location: 1q23.1.
Variant type: single nucleotide variant.
Coding change: c.2143G>A on transcript NM_002529.4 (MANE Select); coding-DNA position 2143, G replaced by A.
Protein change: p.Val715Met; replaces valine 715 with methionine.
Molecular consequence: missense variant.
Genome position (GRCh38, 1-based): chr1:156,880,095, G>A. VCF-style: chr1-156880095-G-A. GRCh37 (hg19) VCF-style: chr1-156849887-G-A.
Other names: c.2035G>A, p.Val679Met (NM_001007792.1); c.2125G>A, p.Val709Met (NM_001012331.2); short protein forms V709M, V679M, V715M.
Identifiers: ClinVar variation 570536 (VCV000570536.8), dbSNP rs759190964, ClinGen allele CA1169578.
Genomic context (GRCh38, chr1:156,880,095, plus strand): 5'-CCGCCCGAGAGCATCCTGTACCGTAAGTTCACCACCGAGAGCGACGTGTGGAGCTTCGGC[G>A]TGGTGCTCTGGGAGATCTTCACCTACGGCAAGCAGCCCTGGTACCAGCTCTCCAACACGG-3'
Protein context (NP_002520.2, residues 705-725): TTESDVWSFG[Val715Met]VLWEIFTYGK

ClinVar aggregate classification (germline): Conflicting classifications of pathogenicity. Review status: criteria provided, conflicting classifications (1 of 4 stars). 3 submissions from 3 submitters: Likely pathogenic (1); Uncertain significance (1). 1 of the submissions does not count toward it. Last evaluated 2026-01-16.

Conditions:
Hereditary insensitivity to pain with anhidrosis (CIPA). Also called: NEUROPATHY, CONGENITAL SENSORY, WITH ANHIDROSIS; hereditary sensory and autonomic neuropathy type 4; FAMILIAL DYSAUTONOMIA, TYPE II; INSENSITIVITY TO PAIN, CONGENITAL, WITH ANHIDROSIS; HSAN Type IV; NTRK1 Congenital Insensitivity to Pain with Anhidrosis. Identifiers: Orphanet 642, MedGen C0020074, MONDO:0009746, OMIM 256800.

Allele frequency attached by ClinVar (database versions not stated): gnomAD 0.00001; TOPMed 0.00003.
gnomAD v4.1: 18 of 1,613,482 alleles (0.0011%); highest among the groups gnomAD compares: Admixed American, 0.0033%; no homozygotes.

Submissions (3):

Labcorp Genetics (formerly Invitae), Labcorp
Classification: Likely pathogenic for Hereditary insensitivity to pain with anhidrosis. Last evaluated: 2026-01-16. Review status: criteria provided, single submitter. Criteria: Invitae Variant Classification Sherloc (09022015). Collection method: clinical testing. Allele origin: germline.
Comment: This sequence change replaces valine, which is neutral and non-polar, with methionine, which is neutral and non-polar, at codon 709 of the NTRK1 protein (p.Val709Met). This variant is present in population databases (rs759190964, gnomAD 0.006%). This variant has not been reported in the literature in individuals affected with NTRK1-related conditions. ClinVar contains an entry for this variant (Variation ID: 570536). Invitae Evidence Modeling of protein sequence and biophysical properties (such as structural, functional, and spatial information, amino acid conservation, physicochemical variation, residue mobility, and thermodynamic stability) indicates that this missense variant is expected to disrupt NTRK1 protein function with a positive predictive value of 80%. This variant disrupts the p.Val709 amino acid residue in NTRK1. Other variant(s) that disrupt this residue have been determined to be pathogenic (PMID: 18162686, 27761255, 32219930). This suggests that this residue is clinically significant, and that variants that disrupt this residue are likely to be disease-causing. In summary, the currently available evidence indicates that the variant is pathogenic, but additional data are needed to prove that conclusively. Therefore, this variant has been classified as Likely Pathogenic.

Women's Health and Genetics/Laboratory Corporation of America, LabCorp
Classification: Uncertain significance. Last evaluated: 2025-05-05. Review status: criteria provided, single submitter. Criteria: LabCorp Variant Classification Summary - May 2015. Collection method: clinical testing. Allele origin: germline.
Comment: Variant summary: NTRK1 c.2125G>A (p.Val709Met) results in a conservative amino acid change in the encoded protein sequence. Algorithms developed to predict the effect of missense changes on protein structure and function are either unavailable or do not agree on the potential impact of this missense change. The variant allele was found at a frequency of 1.2e-05 in 251234 control chromosomes. The available data on variant occurrences in the general population are insufficient to allow any conclusion about variant significance. To our knowledge, no occurrence of c.2125G>A in individuals affected with Hereditary insensitivity to pain with anhidrosis and no experimental evidence demonstrating its impact on protein function have been reported. A different variant affecting the same codon has been classified as likely pathogenic by our lab (c.2125G>C, p.Val709Leu), supporting the critical relevance of codon 709 to NTRK1 protein function. ClinVar contains an entry for this variant (Variation ID: 570536). Based on the evidence outlined above, the variant was classified as uncertain significance.

Natera, Inc.
Classification: Uncertain significance for Hereditary insensitivity to pain with anhidrosis. Last evaluated: 2020-04-18. Review status: no assertion criteria provided. Collection method: clinical testing. Allele origin: germline. Not counted in ClinVar's aggregate classification.

Literature cited by the submitters: PubMed 18162686 (cited by Labcorp Genetics (formerly Invitae), Labcorp); PubMed 27761255 (cited by Labcorp Genetics (formerly Invitae), Labcorp); PubMed 32219930 (cited by Labcorp Genetics (formerly Invitae), Labcorp).